The following is an entry in ClinVar:

ClinVar aggregate classification (germline): Uncertain significance (1 of 4 stars; one submission).

Conditions:
Hereditary breast ovarian cancer syndrome. Also called: BRCA1- and BRCA2-Associated Hereditary Breast and Ovarian Cancer; Hereditary breast and ovarian cancer; Hereditary breast and/or ovarian cancer syndrome; Hereditary breast and ovarian cancer syndrome; Hereditary breast and ovarian cancer syndrome (HBOC); Breast and ovarian cancer. Identifiers: Orphanet 145, MedGen C0677776, MeSH D061325, MONDO:0003582. Disease mechanism: loss of function.

Submission:

Labcorp Genetics (formerly Invitae), Labcorp
Classification: Uncertain significance for Hereditary breast ovarian cancer syndrome. Last evaluated: 2018-01-22. Review status: criteria provided, single submitter. Criteria: Invitae Variant Classification Sherloc (09022015). Collection method: clinical testing. Allele origin: germline.
Comment: In summary, the available evidence is currently insufficient to determine the role of this variant in disease. Therefore, it has been classified as a Variant of Uncertain Significance. Algorithms developed to predict the effect of missense changes on protein structure and function (SIFT, PolyPhen-2, Align-GVGD) all suggest that this variant is likely to be disruptive, but these predictions have not been confirmed by published functional studies and their clinical significance is uncertain. This variant has not been reported in the literature in individuals with BRCA2-related disease. This variant is not present in population databases (ExAC no frequency). This sequence change replaces arginine with serine at codon 2295 of the BRCA2 protein (p.Arg2295Ser). The arginine residue is highly conserved and there is a moderate physicochemical difference between arginine and serine.

NM_000059.4(BRCA2):c.6885G>C (p.Arg2295Ser)

Gene: BRCA2 (BRCA2 DNA repair associated; plus strand). Cytogenetic location: 13q13.1.
Variant type: single nucleotide variant.
Coding change: c.6885G>C on transcript NM_000059.4 (MANE Select); coding-DNA position 6885, G replaced by C.
Protein change: p.Arg2295Ser; replaces arginine 2295 with serine.
Molecular consequence: missense variant.
Genome position (GRCh38, 1-based): chr13:32,344,601, G>C. VCF-style: chr13-32344601-G-C. GRCh37 (hg19) VCF-style: chr13-32918738-G-C.
Other names: short protein forms R2295S.
Identifiers: ClinVar variation 574013 (VCV000574013.9), dbSNP rs763852568, ClinGen allele CA387792780.
Genomic context (GRCh38, chr13:32,344,601, plus strand): 5'-GAAATATTTCTTTTTAGGAGAACCCTCAATCAAAAGAAACTTATTAAATGAATTTGACAG[G>C]ATAATAGAAAATCAAGAAAAATCCTTAAAGGCTTCAAAAAGCACTCCAGATGGTAAAATT-3'
Protein context (NP_000050.3, residues 2285-2305): IKRNLLNEFD[Arg2295Ser]IIENQEKSLK